The following is an entry in ClinVar:

NM_001040108.2(MLH3):c.2144C>T (p.Pro715Leu)

Gene: MLH3 (mutL homolog 3; minus strand). Cytogenetic location: 14q24.3.
Variant type: single nucleotide variant.
Coding change: c.2144C>T on transcript NM_001040108.2 (MANE Select); coding-DNA position 2144, C replaced by T.
Protein change: p.Pro715Leu; replaces proline 715 with leucine.
Molecular consequence: missense variant.
Genome position (GRCh38, 1-based): chr14:75,047,512, G>A on the plus strand (C>T on the coding strand, the complement: MLH3 is on the minus strand). VCF-style: chr14-75047512-G-A. GRCh37 (hg19) VCF-style: chr14-75514215-G-A.
Other names: c.2144C>T, p.Pro715Leu (NM_014381.3); short protein forms P715L.
Identifiers: ClinVar variation 4108606 (VCV004108606.1).

ClinVar aggregate classification (germline): Uncertain significance (1 of 4 stars; one submission).

gnomAD v4.1: 3 of 1,613,884 alleles (0.00019%); highest among the groups gnomAD compares: Non-Finnish European, 0.00025%; no homozygotes.

Submission:

Ambry Genetics
Classification: Uncertain significance. Last evaluated: 2025-06-23. Review status: criteria provided, single submitter. Criteria: Ambry Variant Classification Scheme 2023. Collection method: clinical testing. Allele origin: germline.
Comment: The p.P715L variant (also known as c.2144C>T), located in coding exon 1 of the MLH3 gene, results from a C to T substitution at nucleotide position 2144. The proline at codon 715 is replaced by leucine, an amino acid with similar properties. This amino acid position is poorly conserved in available vertebrate species. In addition, this alteration is predicted to be tolerated by in silico analysis. The evidence for this gene-disease relationship is limited; therefore, the clinical significance of this alteration is unclear.